The following is an entry in ClinVar:

ClinVar aggregate classification (germline): Uncertain significance. Review status: criteria provided, multiple submitters, no conflicts (2 of 4 stars). 4 submissions from 4 submitters: Uncertain significance (3). 1 of the submissions does not count toward it. Last evaluated 2025-12-02.

Conditions:
Fanconi anemia (FA). Also called: Fanconi's anemia. Identifiers: Orphanet 84, MedGen C0015625, MeSH D005199, MONDO:0019391.
Fanconi anemia complementation group A (FANCA). Also called: Fanconi anemia, group A; FANCA-Related Fanconi Anemia. Identifiers: Orphanet 84, MedGen C3469521, MONDO:0009215, OMIM 227650.

Allele frequency attached by ClinVar (database versions not stated): ExAC 0.00001; gnomAD exomes 0.00002; TOPMed 0.00002.
gnomAD v4.1: 19 of 1,613,964 alleles (0.0012%); highest among the groups gnomAD compares: South Asian, 0.0033%; no homozygotes.

Submissions (4):

Labcorp Genetics (formerly Invitae), Labcorp
Classification: Uncertain significance for Fanconi anemia. Last evaluated: 2025-12-02. Review status: criteria provided, single submitter. Criteria: Invitae Variant Classification Sherloc (09022015). Collection method: clinical testing. Allele origin: germline.
Comment: This sequence change replaces valine, which is neutral and non-polar, with isoleucine, which is neutral and non-polar, at codon 187 of the FANCA protein (p.Val187Ile). This variant is present in population databases (rs761538996, gnomAD 0.003%). This variant has not been reported in the literature in individuals affected with FANCA-related conditions. ClinVar contains an entry for this variant (Variation ID: 445523). Invitae Evidence Modeling of protein sequence and biophysical properties (such as structural, functional, and spatial information, amino acid conservation, physicochemical variation, residue mobility, and thermodynamic stability) indicates that this missense variant is not expected to disrupt FANCA protein function with a negative predictive value of 95%. In summary, the available evidence is currently insufficient to determine the role of this variant in disease. Therefore, it has been classified as a Variant of Uncertain Significance.

Fulgent Genetics
Classification: Uncertain significance for Fanconi anemia complementation group A. Last evaluated: 2022-04-14. Review status: criteria provided, single submitter. Criteria: ACMG Guidelines, 2015. Collection method: clinical testing. Allele origin: unknown.

Center for Pediatric Genomic Medicine, Children's Mercy Hospital and Clinics
Classification: Uncertain significance. Last evaluated: 2017-06-22. Review status: criteria provided, single submitter. Criteria: ACMG Guidelines, 2015. Collection method: clinical testing. Allele origin: germline.

Natera, Inc.
Classification: Uncertain significance for Fanconi anemia. Last evaluated: 2019-10-28. Review status: no assertion criteria provided. Collection method: clinical testing. Allele origin: germline. Not counted in ClinVar's aggregate classification.

NM_000135.4(FANCA):c.559G>A (p.Val187Ile)

Gene: FANCA (FA complementation group A; minus strand). Cytogenetic location: 16q24.3.
Variant type: single nucleotide variant.
Coding change: c.559G>A on transcript NM_000135.4 (MANE Select); coding-DNA position 559, G replaced by A.
Protein change: p.Val187Ile; replaces valine 187 with isoleucine.
Molecular consequence: missense variant.
Genome position (GRCh38, 1-based): chr16:89,808,331, C>T on the plus strand (G>A on the coding strand, the complement: FANCA is on the minus strand). VCF-style: chr16-89808331-C-T. GRCh37 (hg19) VCF-style: chr16-89874739-C-T.
Other names: c.559G>A, p.Val187Ile (NM_001018112.3, NM_001286167.3); c.463G>A, p.Val155Ile (NM_001351830.2); c.559G>A (LRG_495t1); short protein forms V187I, V155I.
Identifiers: ClinVar variation 445523 (VCV000445523.11), dbSNP rs761538996, ClinGen allele CA8252933.